The following is an entry in ClinVar:

NM_001987.5(ETV6):c.814C>G (p.Pro272Ala)

Gene: ETV6 (ETS variant transcription factor 6; plus strand). Cytogenetic location: 12p13.2.
Variant type: single nucleotide variant.
Coding change: c.814C>G on transcript NM_001987.5 (MANE Select); coding-DNA position 814, C replaced by G.
Protein change: p.Pro272Ala; replaces proline 272 with alanine.
Molecular consequence: missense variant.
Genome position (GRCh38, 1-based): chr12:11,869,774, C>G. VCF-style: chr12-11869774-C-G. GRCh37 (hg19) VCF-style: chr12-12022708-C-G.
Other names: c.811C>G, p.Pro271Ala (NM_001413913.1); c.787C>G, p.Pro263Ala (NM_001413914.1); c.550C>G, p.Pro184Ala (NM_001413915.1); c.814C>G, p.Pro272Ala (NM_001413916.1, NM_001413917.1); short protein forms P263A, P272A, P184A, P271A.
Identifiers: ClinVar variation 5036159 (VCV005036159.1).

ClinVar aggregate classification (germline): Uncertain significance (1 of 4 stars; one submission).

Conditions:
Inborn genetic diseases. Identifiers: MedGen C0950123, MeSH D030342.

Submission:

Ambry Genetics
Classification: Uncertain significance for Inborn genetic diseases. Last evaluated: 2026-07-02. Review status: criteria provided, single submitter. Criteria: Ambry Variant Classification Scheme 2023. Collection method: clinical testing. Allele origin: germline.
Comment: The p.P272A variant (also known as c.814C>G), located in coding exon 5 of the ETV6 gene, results from a C to G substitution at nucleotide position 814. The proline at codon 272 is replaced by alanine, an amino acid with highly similar properties. This amino acid position is conserved. In addition, this alteration is predicted to be tolerated by in silico analysis. Based on the available evidence, the clinical significance of this variant remains unclear.